The following is an entry in ClinVar:

ClinVar aggregate classification (germline): Uncertain significance (1 of 4 stars; one submission).

Conditions:
Idiopathic generalized epilepsy. Also called: Generalised epilepsy; EIG. Identifiers: MedGen C0270850, MONDO:0005579, OMIM 600669.

Allele frequency attached by ClinVar (database versions not stated): gnomAD 0.00001.
gnomAD v4.1: 5 of 1,600,334 alleles (0.00031%); highest among the groups gnomAD compares: African/African-American, 0.0027%; no homozygotes.

Submission:

Labcorp Genetics (formerly Invitae), Labcorp
Classification: Uncertain significance for Idiopathic generalized epilepsy. Last evaluated: 2023-08-27. Review status: criteria provided, single submitter. Criteria: Invitae Variant Classification Sherloc (09022015). Collection method: clinical testing. Allele origin: germline.
Comment: In summary, the available evidence is currently insufficient to determine the role of this variant in disease. Therefore, it has been classified as a Variant of Uncertain Significance. Advanced modeling of protein sequence and biophysical properties (such as structural, functional, and spatial information, amino acid conservation, physicochemical variation, residue mobility, and thermodynamic stability) performed at Invitae indicates that this missense variant is not expected to disrupt RBFOX1 protein function. ClinVar contains an entry for this variant (Variation ID: 2054086). This variant has not been reported in the literature in individuals affected with RBFOX1-related conditions. This variant is not present in population databases (gnomAD no frequency). This sequence change replaces valine, which is neutral and non-polar, with methionine, which is neutral and non-polar, at codon 299 of the RBFOX1 protein (p.Val299Met).

NM_018723.4(RBFOX1):c.835G>A (p.Val279Met)

Gene: RBFOX1 (RNA binding fox-1 homolog 1; plus strand). Cytogenetic location: 16p13.3.
Variant type: single nucleotide variant.
Coding change: c.835G>A on transcript NM_018723.4 (MANE Select); coding-DNA position 835, G replaced by A.
Protein change: p.Val279Met; replaces valine 279 with methionine.
Molecular consequence: missense variant.
Genome position (GRCh38, 1-based): chr16:7,653,892, G>A. VCF-style: chr16-7653892-G-A. GRCh37 (hg19) VCF-style: chr16-7703894-G-A.
Other names: c.754G>A, p.Val252Met (NM_001142333.2); c.835G>A, p.Val279Met (NM_001142334.2, NM_001364800.2); c.964G>A, p.Val322Met (NM_001308117.1, NM_001411047.1, NM_001415891.1 and 1 more transcripts); c.1432G>A, p.Val478Met (NM_001415887.1); c.1351G>A, p.Val451Met (NM_001415888.1); c.943G>A, p.Val315Met (NM_001415889.1, NM_001415892.1, NM_001415894.1 and 1 more transcripts); c.910G>A, p.Val304Met (NM_001415890.1, NM_001415893.1, NM_001415899.1 and 1 more transcripts); c.895G>A, p.Val299Met (NM_001415896.1, NM_001415904.1, NM_145891.3 and 2 more transcripts); and 12 more; short protein forms V252M, V257M, V277M, V279M, V288M, V299M, V315M, V322M.
Identifiers: ClinVar variation 2054086 (VCV002054086.4), dbSNP rs766300841, ClinGen allele CA277386715.